The following is an entry in ClinVar:

NM_001009944.3(PKD1):c.3601_3620del (p.Ala1201fs)

Gene: PKD1 (polycystin 1, transient receptor potential channel interacting; minus strand). Cytogenetic location: 16p13.3.
Variant type: Deletion.
Coding change: c.3601_3620del on transcript NM_001009944.3 (MANE Select); coding-DNA positions 3601 to 3620, 20 bases deleted (GCGGCCCAGGCGGATGTGCG).
Protein change: p.Ala1201fs; shifts the reading frame from alanine 1201.
Molecular consequence: frameshift variant.
Genome position (GRCh38, 1-based): chr16:2,111,547-2,111,566, CGCACATCCGCCTGGGCCGC deleted on the plus strand (GCGGCCCAGGCGGATGTGCG on the coding strand, the reverse complement: PKD1 is on the minus strand); deleting any 20 consecutive bases within chr16:2,111,547-2,111,571 gives the same sequence; the c. name uses the placement nearest the transcript's 3' end. VCF-style (leftmost placement, unchanged base first): chr16-2111546-GCGCACATCCGCCTGGGCCGC-G. GRCh37 (hg19) VCF-style: chr16-2161547-GCGCACATCCGCCTGGGCCGC-G.
Other names: c.3601_3620del (NM_001009944.2); c.3601_3620del, p.Ala1201fs (NM_000296.4); short protein forms A1201fs.
Identifiers: ClinVar variation 586270 (VCV000586270.5), dbSNP rs778028967, ClinGen allele CA7832699.

ClinVar aggregate classification (germline): Pathogenic/Likely pathogenic. Review status: criteria provided, multiple submitters, no conflicts (2 of 4 stars). 4 submissions from 4 submitters: Pathogenic (3); Likely pathogenic (1). Last evaluated 2025-08-10.

Conditions:
Polycystic kidney disease, adult type (PKD1). Also called: Polycystic Kidney, Autosomal Dominant; Polycystic Kidney Disease 1, Autosomal Dominant; Polycystic kidney disease 1; Polycystic kidney disease 1, severe; POLYCYSTIC KIDNEY DISEASE, ADULT, TYPE I; POLYCYSTIC KIDNEY DISEASE 1 WITH OR WITHOUT POLYCYSTIC LIVER DISEASE. Identifiers: MedGen C3149841, MONDO:0008263, OMIM 173900.
PKD1-related disorder. Also called: PKD1-related condition.

Submissions (4):

GeneDx
Classification: Pathogenic. Last evaluated: 2025-08-10. Review status: criteria provided, single submitter. Criteria: GeneDx Variant Classification Process June 2021. Collection method: clinical testing. Allele origin: germline. Affected: yes.
Comment: Frameshift variant predicted to result in protein truncation or nonsense mediated decay in a gene for which loss-of-function is a known mechanism of disease; Not observed at significant frequency in large population cohorts (gnomAD); Has not been previously published as pathogenic or benign to our knowledge

Fulgent Genetics
Classification: Pathogenic for Polycystic kidney disease, adult type. Last evaluated: 2024-01-30. Review status: criteria provided, single submitter. Criteria: ACMG Guidelines, 2015. Collection method: clinical testing. Allele origin: germline.

Blueprint Genetics
Classification: Likely pathogenic for PKD1-related disorders. Last evaluated: 2020-09-11. Review status: criteria provided, single submitter. Criteria: ACMG Guidelines, 2015. Collection method: clinical testing. Allele origin: germline. Affected: yes. Observed: 1 variant allele.

Athena Diagnostics
Classification: Pathogenic. Last evaluated: 2018-04-18. Review status: criteria provided, single submitter. Criteria: Athena Diagnostics Criteria. Collection method: clinical testing. Allele origin: germline.